The following is an entry in ClinVar:

ClinVar aggregate classification (germline): Pathogenic (1 of 4 stars; one submission).

Submission:

GeneDx
Classification: Pathogenic. Last evaluated: 2025-11-26. Review status: criteria provided, single submitter. Criteria: GeneDx Variant Classification Process June 2021. Collection method: clinical testing. Allele origin: germline. Affected: yes.
Comment: Canonical splice site variant predicted to result in abnormal gene splicing, confirmed by RT-PCR analysis to result in protein truncation; immunohistochemistry studies of skin biopsies revealed that this variant results in keratin 10 being incorrectly redirected to the nucleus (PMID 32556352), similar to other splice variants causing ichthyosis with confetti.; Not observed at significant frequency in large population cohorts (gnomAD); This variant is associated with the following publications: (PMID: 31638346, 32556352, 26581228)

NM_000421.5(KRT10):c.1373+2T>C

Genes: KRT10 (keratin 10; minus strand), KRT10-AS1 (KRT10 antisense RNA 1; plus strand). Cytogenetic location: 17q21.2.
Variant type: single nucleotide variant.
Coding change: c.1373+2T>C on transcript NM_000421.5 (MANE Select); the canonical splice donor site of the intron after coding-DNA position 1373, T replaced by C.
Molecular consequence: splice donor variant.
Genome position (GRCh38, 1-based): chr17:40,819,515, A>G on the plus strand (T>C on the coding strand, the complement: KRT10 is on the minus strand). VCF-style: chr17-40819515-A-G. GRCh37 (hg19) VCF-style: chr17-38975767-A-G.
Other names: c.1373+2T>C (NM_001379366.1).
Identifiers: ClinVar variation 432261 (VCV000432261.3), dbSNP rs1555548670, ClinGen allele CA399390243.